The following is an entry in ClinVar:

NM_018896.5(CACNA1G):c.1395C>G (p.Leu465=)

Gene: CACNA1G (calcium voltage-gated channel subunit alpha1 G; plus strand). Cytogenetic location: 17q21.33.
Variant type: single nucleotide variant.
Coding change: c.1395C>G on transcript NM_018896.5 (MANE Select); coding-DNA position 1395, C replaced by G.
Protein change: p.Leu465=; no amino-acid change (leucine 465 retained).
Molecular consequence: synonymous variant. On other transcripts: non-coding transcript variant (5).
Genome position (GRCh38, 1-based): chr17:50,575,797, C>G. VCF-style: chr17-50575797-C-G. GRCh37 (hg19) VCF-style: chr17-48653158-C-G.
Other names: c.1395C>G (NM_018896.4); c.1395C>G, p.Leu465= (NM_198386.3, NM_198387.3, NM_198388.3 and 24 more transcripts).
Identifiers: ClinVar variation 2647901 (VCV002647901.25), dbSNP rs2544862167, ClinGen allele CA500998656.

ClinVar aggregate classification (germline): Likely benign. Review status: criteria provided, single submitter (1 of 4 stars). 2 submissions from 2 submitters: Likely benign (1). 1 of the submissions does not count toward it. Last evaluated 2022-11-01.

Conditions:
CACNA1G-related disorder. Also called: CACNA1G-related disorders; CACNA1G-related condition.

Submissions (2):

CeGaT Center for Human Genetics Tuebingen
Classification: Likely benign. Last evaluated: 2022-11-01. Review status: criteria provided, single submitter. Criteria: CeGaT Center For Human Genetics Tuebingen Variant Classification Criteria Version 2. Collection method: clinical testing. Allele origin: germline. Affected: yes. Observed: 1 variant allele.
Comment: CACNA1G: PM2:Supporting, BP4, BP7

PreventionGenetics, part of Exact Sciences
Classification: Likely benign for CACNA1G-related condition. Last evaluated: 2019-11-20. Review status: no assertion criteria provided. Collection method: clinical testing. Allele origin: germline. Not counted in ClinVar's aggregate classification.
Comment: This variant is classified as likely benign based on ACMG/AMP sequence variant interpretation guidelines (Richards et al. 2015 PMID: 25741868, with internal and published modifications).